The following is an entry in ClinVar:

ClinVar aggregate classification (germline): Pathogenic. Review status: criteria provided, single submitter (1 of 4 stars). 2 submissions from 2 submitters: Pathogenic (1). 1 of the submissions does not count toward it. Last evaluated 2018-10-30.

Conditions:
Legius syndrome. Identifiers: Orphanet 137605, MedGen C1969623, MONDO:0012669, OMIM 611431. Disease mechanism: loss of function.

Allele frequency attached by ClinVar (database versions not stated): gnomAD exomes below 0.00001.
gnomAD v4.1: 1 of 1,612,696 alleles (0.000062%); highest among the groups gnomAD compares: East Asian, 0.0022%; no homozygotes.

Submissions (2):

Labcorp Genetics (formerly Invitae), Labcorp
Classification: Pathogenic for Legius syndrome. Last evaluated: 2018-10-30. Review status: criteria provided, single submitter. Criteria: Invitae Variant Classification Sherloc (09022015). Collection method: clinical testing. Allele origin: germline.
Comment: For these reasons, this variant has been classified as Pathogenic. Loss-of-function variants in SPRED1 are known to be pathogenic (PMID: 17704776). This variant has been observed to segregate with Legius syndrome in a family (PMID: 19366998). ClinVar contains an entry for this variant (Variation ID: 1814). This variant is not present in population databases (ExAC no frequency). This sequence change creates a premature translational stop signal (p.Gln213*) in the SPRED1 gene. It is expected to result in an absent or disrupted protein product.

OMIM
Classification: Pathogenic for LEGIUS SYNDROME. Last evaluated: 2009-07-01. Review status: no assertion criteria provided. Collection method: literature only. Allele origin: germline. Not counted in ClinVar's aggregate classification.

Literature cited by the submitters: PubMed 17704776 (cited by Labcorp Genetics (formerly Invitae), Labcorp); PubMed 19366998 (cited by Labcorp Genetics (formerly Invitae), Labcorp and OMIM).

NM_152594.3(SPRED1):c.637C>T (p.Gln213Ter)

Gene: SPRED1 (sprouty related EVH1 domain containing 1; plus strand). Cytogenetic location: 15q14.
Variant type: single nucleotide variant.
Coding change: c.637C>T on transcript NM_152594.3 (MANE Select); coding-DNA position 637, C replaced by T.
Protein change: p.Gln213Ter; replaces glutamine 213 with a stop codon.
Molecular consequence: nonsense.
Genome position (GRCh38, 1-based): chr15:38,349,476, C>T. VCF-style: chr15-38349476-C-T. GRCh37 (hg19) VCF-style: chr15-38641677-C-T.
Other names: short protein forms Q213*.
Identifiers: ClinVar variation 1814 (VCV000001814.10), dbSNP rs121434316, ClinGen allele CA251957.